The following is an entry in ClinVar:

ClinVar aggregate classification (germline): Uncertain significance. Review status: criteria provided, multiple submitters, no conflicts (2 of 4 stars). 2 submissions from 2 submitters: Uncertain significance (2). Last evaluated 2025-12-22.

Conditions:
Aicardi-Goutieres syndrome 7 (AGS7). Identifiers: Orphanet 51, MedGen C3888244, MONDO:0014367, OMIM 615846.
Singleton-Merten syndrome 1 (SGMRT1). Also called: Widened medullary cavities of bone, aortic calcification, abnormal dentition, and muscular weakness; Syndrome of widened medullary cavities of the metacarpals and phalanges, aortic calcification and abnormal dentition. Identifiers: Orphanet 85191, MedGen C4225427, MONDO:0024535, OMIM 182250.

Allele frequency attached by ClinVar (database versions not stated): TOPMed below 0.00001; gnomAD 0.00001.
gnomAD v4.1: 2 of 1,611,780 alleles (0.00012%); highest among the groups gnomAD compares: Non-Finnish European, 0.000085%; no homozygotes.

Submissions (2):

GeneDx
Classification: Uncertain significance. Last evaluated: 2025-12-22. Review status: criteria provided, single submitter. Criteria: GeneDx Variant Classification Process June 2021. Collection method: clinical testing. Allele origin: germline. Affected: yes.
Comment: Not observed at significant frequency in large population cohorts (gnomAD); In silico analysis suggests that this missense variant does not alter protein structure/function; Has not been previously published as pathogenic or benign to our knowledge

Labcorp Genetics (formerly Invitae), Labcorp
Classification: Uncertain significance for Aicardi-Goutieres syndrome 7; Singleton-Merten syndrome 1. Last evaluated: 2023-06-20. Review status: criteria provided, single submitter. Criteria: Invitae Variant Classification Sherloc (09022015). Collection method: clinical testing. Allele origin: germline.
Comment: In summary, the available evidence is currently insufficient to determine the role of this variant in disease. Therefore, it has been classified as a Variant of Uncertain Significance. Advanced modeling of protein sequence and biophysical properties (such as structural, functional, and spatial information, amino acid conservation, physicochemical variation, residue mobility, and thermodynamic stability) has been performed at Invitae for this missense variant, however the output from this modeling did not meet the statistical confidence thresholds required to predict the impact of this variant on IFIH1 protein function. ClinVar contains an entry for this variant (Variation ID: 2442769). This variant has not been reported in the literature in individuals affected with IFIH1-related conditions. This variant is not present in population databases (gnomAD no frequency). This sequence change replaces proline, which is neutral and non-polar, with serine, which is neutral and polar, at codon 866 of the IFIH1 protein (p.Pro866Ser).

NM_022168.4(IFIH1):c.2596C>T (p.Pro866Ser)

Gene: IFIH1 (interferon induced with helicase C domain 1; minus strand). Cytogenetic location: 2q24.2.
Variant type: single nucleotide variant.
Coding change: c.2596C>T on transcript NM_022168.4 (MANE Select); coding-DNA position 2596, C replaced by T.
Protein change: p.Pro866Ser; replaces proline 866 with serine.
Molecular consequence: missense variant.
Genome position (GRCh38, 1-based): chr2:162,272,246, G>A on the plus strand (C>T on the coding strand, the complement: IFIH1 is on the minus strand). VCF-style: chr2-162272246-G-A. GRCh37 (hg19) VCF-style: chr2-163128756-G-A.
Other names: short protein forms P866S.
Identifiers: ClinVar variation 2442769 (VCV002442769.5), dbSNP rs1456632741, ClinGen allele CA348993890.
Genomic context (GRCh38, chr2:162,272,246, plus strand): 5'-TTTTTAAATGAAAATCAAATTCAGAGGTGACCAACAATACCTTATGAGCATACTCCTCTG[G>A]TTTCATATTTTGAACACAATGTATAGCTTTATACATCATCTTCTCTCGGAAATCATTAAC-3'
Protein context (NP_071451.2, residues 856-876): KAIHCVQNMK[Pro866Ser]EEYAHKILEL